The following is an entry in ClinVar:

NM_138477.4(CDAN1):c.1791G>T (p.Glu597Asp)

Gene: CDAN1 (codanin 1; minus strand). Cytogenetic location: 15q15.2.
Variant type: single nucleotide variant.
Coding change: c.1791G>T on transcript NM_138477.4 (MANE Select); coding-DNA position 1791, G replaced by T.
Protein change: p.Glu597Asp; replaces glutamic acid 597 with aspartic acid.
Molecular consequence: missense variant.
Genome position (GRCh38, 1-based): chr15:42,731,280, C>A on the plus strand (G>T on the coding strand, the complement: CDAN1 is on the minus strand). VCF-style: chr15-42731280-C-A. GRCh37 (hg19) VCF-style: chr15-43023478-C-A.
Other names: short protein forms E597D.
Identifiers: ClinVar variation 4766327 (VCV004766327.1).

ClinVar aggregate classification (germline): Uncertain significance (1 of 4 stars; one submission).

Submission:

Labcorp Genetics (formerly Invitae), Labcorp
Classification: Uncertain significance. Last evaluated: 2025-11-03. Review status: criteria provided, single submitter. Criteria: Invitae Variant Classification Sherloc (09022015). Collection method: clinical testing. Allele origin: germline.
Comment: This sequence change replaces glutamic acid, which is acidic and polar, with aspartic acid, which is acidic and polar, at codon 597 of the CDAN1 protein (p.Glu597Asp). This variant is not present in population databases (gnomAD no frequency). This variant has not been reported in the literature in individuals affected with CDAN1-related conditions. An algorithm developed to predict the effect of missense changes on protein structure and function (PolyPhen-2) suggests that this variant is likely to be disruptive. In summary, the available evidence is currently insufficient to determine the role of this variant in disease. Therefore, it has been classified as a Variant of Uncertain Significance.